The following is an entry in ClinVar:

ClinVar aggregate classification (germline): Uncertain significance (1 of 4 stars; one submission).

Submission:

Ambry Genetics
Classification: Uncertain significance. Last evaluated: 2022-06-27. Review status: criteria provided, single submitter. Criteria: Ambry Variant Classification Scheme 2023. Collection method: clinical testing. Allele origin: germline.
Comment: The p.P407R variant (also known as c.1220C>G), located in coding exon 7 of the PKP4 gene, results from a C to G substitution at nucleotide position 1220. The proline at codon 407 is replaced by arginine, an amino acid with dissimilar properties. This amino acid position is conserved. In addition, this alteration is predicted to be deleterious by in silico analysis. Since supporting evidence is limited at this time, the clinical significance of this alteration remains unclear.

NM_003628.6(PKP4):c.1220C>G (p.Pro407Arg)

Gene: PKP4 (plakophilin 4; plus strand). Cytogenetic location: 2q24.1.
Variant type: single nucleotide variant.
Coding change: c.1220C>G on transcript NM_003628.6 (MANE Select); coding-DNA position 1220, C replaced by G.
Protein change: p.Pro407Arg; replaces proline 407 with arginine.
Molecular consequence: missense variant.
Genome position (GRCh38, 1-based): chr2:158,631,819, C>G. VCF-style: chr2-158631819-C-G. GRCh37 (hg19) VCF-style: chr2-159488331-C-G.
Other names: c.1220C>G, p.Pro407Arg (NM_001005476.4, NM_001304969.3, NM_001304971.2 and 6 more transcripts); c.194C>G, p.Pro65Arg (NM_001304970.3); c.1214C>G, p.Pro405Arg (NM_001377222.1, NM_001377223.1, NM_001377224.1); short protein forms P405R, P65R, P407R.
Identifiers: ClinVar variation 1752931 (VCV001752931.2), dbSNP rs2529644569, ClinGen allele CA348907937.